The following is an entry in ClinVar:

NM_000143.4(FH):c.923C>T (p.Ala308Val)

Gene: FH (fumarate hydratase; minus strand). Cytogenetic location: 1q43.
Variant type: single nucleotide variant.
Coding change: c.923C>T on transcript NM_000143.4 (MANE Select); coding-DNA position 923, C replaced by T.
Protein change: p.Ala308Val; replaces alanine 308 with valine.
Molecular consequence: missense variant.
Genome position (GRCh38, 1-based): chr1:241,504,227, G>A on the plus strand (C>T on the coding strand, the complement: FH is on the minus strand). VCF-style: chr1-241504227-G-A. GRCh37 (hg19) VCF-style: chr1-241667527-G-A.
Other names: short protein forms A308V.
Identifiers: ClinVar variation 2750814 (VCV002750814.3), dbSNP rs1057524385, ClinGen allele CA345438402.

ClinVar aggregate classification (germline): Likely pathogenic (1 of 4 stars; one submission).

Submission:

Labcorp Genetics (formerly Invitae), Labcorp
Classification: Likely pathogenic. Last evaluated: 2023-08-07. Review status: criteria provided, single submitter. Criteria: Invitae Variant Classification Sherloc (09022015). Collection method: clinical testing. Allele origin: germline.
Comment: This sequence change replaces alanine, which is neutral and non-polar, with valine, which is neutral and non-polar, at codon 308 of the FH protein (p.Ala308Val). This variant is not present in population databases (gnomAD no frequency). This variant has not been reported in the literature in individuals affected with FH-related conditions. Advanced modeling of protein sequence and biophysical properties (such as structural, functional, and spatial information, amino acid conservation, physicochemical variation, residue mobility, and thermodynamic stability) performed at Invitae indicates that this missense variant is expected to disrupt FH protein function. This variant disrupts the p.Ala308 amino acid residue in FH. Other variant(s) that disrupt this residue have been determined to be pathogenic (PMID: 9635293, 29456767). This suggests that this residue is clinically significant, and that variants that disrupt this residue are likely to be disease-causing. In summary, the currently available evidence indicates that the variant is pathogenic, but additional data are needed to prove that conclusively. Therefore, this variant has been classified as Likely Pathogenic.

Literature cited by the submitters: PubMed 9635293; PubMed 29456767.